The following is an entry in ClinVar:

NM_005188.4(CBL):c.2231T>A (p.Ile744Asn)

Gene: CBL (Cbl proto-oncogene; plus strand). Cytogenetic location: 11q23.3.
Variant type: single nucleotide variant.
Coding change: c.2231T>A on transcript NM_005188.4 (MANE Select); coding-DNA position 2231, T replaced by A.
Protein change: p.Ile744Asn; replaces isoleucine 744 with asparagine.
Molecular consequence: missense variant.
Genome position (GRCh38, 1-based): chr11:119,297,461, T>A. VCF-style: chr11-119297461-T-A. GRCh37 (hg19) VCF-style: chr11-119168171-T-A.
Other names: short protein forms I744N.
Identifiers: ClinVar variation 3827839 (VCV003827839.1).

ClinVar aggregate classification (germline): Uncertain significance (1 of 4 stars; one submission).

Conditions:
Cardiovascular phenotype. Identifiers: MedGen CN230736.

Submission:

Ambry Genetics
Classification: Uncertain significance for Cardiovascular phenotype. Last evaluated: 2025-02-08. Review status: criteria provided, single submitter. Criteria: Ambry Variant Classification Scheme 2023. Collection method: clinical testing. Allele origin: germline.
Comment: The p.I744N variant (also known as c.2231T>A), located in coding exon 14 of the CBL gene, results from a T to A substitution at nucleotide position 2231. The isoleucine at codon 744 is replaced by asparagine, an amino acid with dissimilar properties. This amino acid position is conserved. In addition, this alteration is predicted to be tolerated by in silico analysis. Based on the available evidence, the clinical significance of this variant remains unclear.